The following is an entry in ClinVar:

ClinVar aggregate classification (germline): Uncertain significance (1 of 4 stars; one submission).

gnomAD v4.1: 5 of 1,613,188 alleles (0.00031%); highest among the groups gnomAD compares: African/African-American, 0.0067%; no homozygotes.

Submission:

GeneDx
Classification: Uncertain significance. Last evaluated: 2024-04-23. Review status: criteria provided, single submitter. Criteria: GeneDx Variant Classification Process June 2021. Collection method: clinical testing. Allele origin: germline. Affected: yes.
Comment: Not observed at significant frequency in large population cohorts (gnomAD); In silico analysis supports that this missense variant has a deleterious effect on protein structure/function; Has not been previously published as pathogenic or benign to our knowledge

NM_001080453.3(INTS1):c.556A>T (p.Ser186Cys)

Gene: INTS1 (integrator complex subunit 1; minus strand). Cytogenetic location: 7p22.3.
Variant type: single nucleotide variant.
Coding change: c.556A>T on transcript NM_001080453.3 (MANE Select); coding-DNA position 556, A replaced by T.
Protein change: p.Ser186Cys; replaces serine 186 with cysteine.
Molecular consequence: missense variant.
Genome position (GRCh38, 1-based): chr7:1,500,012, T>A on the plus strand (A>T on the coding strand, the complement: INTS1 is on the minus strand). VCF-style: chr7-1500012-T-A. GRCh37 (hg19) VCF-style: chr7-1539648-T-A.
Other names: short protein forms S186C.
Identifiers: ClinVar variation 3371924 (VCV003371924.1).
Genomic context (GRCh38, chr7:1,500,012, plus strand): 5'-CAGACACCAGGCTGTTCCCCTTGGCCTTGAAGTTGATGGAGGCGTCCCGCCGCAGGAGGC[T>A]ACACAGAGCCTGCCAGGGAGGGCGCATGTCACGTGGGAGCTTCGCTGGCCCCAGAGGCAA-3'
Protein context (NP_001073922.2, residues 176-196): ATEGVIEALC[Ser186Cys]LLRRDASINF